The following is an entry in ClinVar:

ClinVar aggregate classification (germline): Benign/Likely benign. Review status: criteria provided, multiple submitters, no conflicts (2 of 4 stars). 5 submissions from 5 submitters: Benign (1); Likely benign (4). Last evaluated 2026-01-17.

Conditions:
Hereditary cancer-predisposing syndrome. Also called: Neoplastic Syndromes, Hereditary; Hereditary Cancer Syndrome; Tumor predisposition; Hereditary neoplastic syndrome. Identifiers: Orphanet 140162, MedGen C0027672, MeSH D009386, MONDO:0015356.
Familial cancer of breast. Also called: Hereditary breast cancer; BREAST CANCER, FAMILIAL; hereditary breast carcinoma. Identifiers: Orphanet 227535, MedGen C0346153, MONDO:0016419, OMIM 114480. Disease mechanism: loss of function.
Ataxia-telangiectasia syndrome (AT). Also called: LOUIS-BAR SYNDROME; Cerebello-oculocutaneous telangiectasia; Immunodeficiency with ataxia telangiectasia; Ataxia-telangiectasia, complementation group D; AT, COMPLEMENTATION GROUP C; Ataxia-telangiectasia, complementation group E. Identifiers: Orphanet 100, MedGen C0004135, MONDO:0008840, OMIM 208900.

Allele frequency attached by ClinVar (database versions not stated): gnomAD exomes below 0.00001; gnomAD 0.00001; TOPMed 0.00001; ExAC 0.00001.
gnomAD v4.1: 8 of 1,613,502 alleles (0.0005%); highest among the groups gnomAD compares: East Asian, 0.011%; no homozygotes.

Submissions (5):

Labcorp Genetics (formerly Invitae), Labcorp
Classification: Likely benign for Ataxia-telangiectasia syndrome. Last evaluated: 2026-01-17. Review status: criteria provided, single submitter. Criteria: Invitae Variant Classification Sherloc (09022015). Collection method: clinical testing. Allele origin: germline.

Myriad Genetics, Inc.
Classification: Benign for Familial cancer of breast. Last evaluated: 2024-05-24. Review status: criteria provided, single submitter. Criteria: Myriad Autosomal Dominant, Autosomal Recessive and X-Linked Classification Criteria (2023). Collection method: clinical testing. Allele origin: unknown.
Comment: This variant is considered benign. This variant is a silent/synonymous amino acid change and it is not expected to impact splicing.

Ambry Genetics
Classification: Likely benign for Hereditary cancer-predisposing syndrome. Last evaluated: 2022-07-05. Review status: criteria provided, single submitter. Criteria: Ambry Variant Classification Scheme 2023. Collection method: clinical testing. Allele origin: germline.

Sema4
Classification: Likely benign for Hereditary cancer-predisposing syndrome. Last evaluated: 2021-12-23. Review status: criteria provided, single submitter. Criteria: Sema4 Curation Guidelines. Collection method: curation. Allele origin: germline.

Color Diagnostics, LLC DBA Color Health
Classification: Likely benign for Hereditary cancer-predisposing syndrome. Last evaluated: 2017-06-15. Review status: criteria provided, single submitter. Criteria: ACMG Guidelines, 2015. Collection method: clinical testing. Allele origin: germline.

NM_000051.4(ATM):c.5835T>G (p.Ala1945=)

Genes: ATM (ATM serine/threonine kinase; plus strand), C11orf65 (chromosome 11 open reading frame 65; minus strand). Cytogenetic location: 11q22.3.
Variant type: single nucleotide variant.
Coding change: c.5835T>G on transcript NM_000051.4 (MANE Select); coding-DNA position 5835, T replaced by G.
Protein change: p.Ala1945=; no amino-acid change (alanine 1945 retained).
Molecular consequence: synonymous variant. On other transcripts: intron variant (2).
Genome position (GRCh38, 1-based): chr11:108,310,232, T>G. VCF-style: chr11-108310232-T-G. GRCh37 (hg19) VCF-style: chr11-108180959-T-G.
Other names: c.5835T>G, p.Ala1945= (NM_001351834.2); c.641-1161A>C (NM_001330368.2); c.*39-1161A>C (NM_001351110.2).
Identifiers: ClinVar variation 490625 (VCV000490625.17), dbSNP rs768106055, ClinGen allele CA6265791.
Genomic context (GRCh38, chr11:108,310,232, plus strand): 5'-AACAATTTTTAATGATGCTTTCTGGCTGGATTTAAATTATCTAGAAGTTGCCAAGGTAGC[T>G]CAGTCTTGTGCTGCTCACTTTACAGCTTTACTCTATGCAGAAATCTATGCAGATAAGAAA-3'
Protein context (NP_000042.3, residues 1935-1955): DLNYLEVAKV[Ala1945=]QSCAAHFTAL